The following is an entry in ClinVar:

NM_005618.4(DLL1):c.350C>A (p.Pro117Gln)

Gene: DLL1 (delta like canonical Notch ligand 1; minus strand). Cytogenetic location: 6q27.
Variant type: single nucleotide variant.
Coding change: c.350C>A on transcript NM_005618.4 (MANE Select); coding-DNA position 350, C replaced by A.
Protein change: p.Pro117Gln; replaces proline 117 with glutamine.
Molecular consequence: missense variant.
Genome position (GRCh38, 1-based): chr6:170,289,513, G>T on the plus strand (C>A on the coding strand, the complement: DLL1 is on the minus strand). VCF-style: chr6-170289513-G-T. GRCh37 (hg19) VCF-style: chr6-170598601-G-T.
Other names: short protein forms P117Q.
Identifiers: ClinVar variation 3369426 (VCV003369426.1).
Genomic context (GRCh38, chr6:170,289,513, plus strand): 5'-GCGTCCTGCAGCCCGCCCAGCTTCAGGGCCGGCCCGGCGCGCGCAGGTGCGGCACTCACC[G>T]GCCAGGTGAAGCCGAAGGGGAAGCGGATGGGGTTGCTGAACGCGGAGTCGGCGCCCCCGC-3'
Protein context (NP_005609.3, residues 107-127): PIRFPFGFTW[Pro117Gln]GTFSLIIEAL

ClinVar aggregate classification (germline): Uncertain significance (1 of 4 stars; one submission).

Submission:

GeneDx
Classification: Uncertain significance. Last evaluated: 2024-02-20. Review status: criteria provided, single submitter. Criteria: GeneDx Variant Classification Process June 2021. Collection method: clinical testing. Allele origin: germline. Affected: yes.
Comment: Not observed at significant frequency in large population cohorts (gnomAD); In silico analysis supports that this missense variant has a deleterious effect on protein structure/function; Has not been previously published as pathogenic or benign to our knowledge